The following is an entry in ClinVar:

ClinVar aggregate classification (germline): Uncertain significance (1 of 4 stars; one submission).

Conditions:
Arrhythmogenic right ventricular dysplasia 13. Also called: ARRHYTHMOGENIC RIGHT VENTRICULAR CARDIOMYOPATHY 13; Arrhythmogenic right ventricular dysplasia, familial, 13. Identifiers: MedGen C3810138, MONDO:0000908, OMIM 615616.

gnomAD v4.1: 2 of 1,613,880 alleles (0.00012%); highest among the groups gnomAD compares: Non-Finnish European, 0.00017%; no homozygotes.

Submission:

Labcorp Genetics (formerly Invitae), Labcorp
Classification: Uncertain significance for Arrhythmogenic right ventricular dysplasia 13. Last evaluated: 2025-02-12. Review status: criteria provided, single submitter. Criteria: Invitae Variant Classification Sherloc (09022015). Collection method: clinical testing. Allele origin: germline.
Comment: This sequence change replaces threonine, which is neutral and polar, with isoleucine, which is neutral and non-polar, at codon 272 of the CTNNA3 protein (p.Thr272Ile). This variant is not present in population databases (gnomAD no frequency). This variant has not been reported in the literature in individuals affected with CTNNA3-related conditions. Invitae Evidence Modeling of protein sequence and biophysical properties (such as structural, functional, and spatial information, amino acid conservation, physicochemical variation, residue mobility, and thermodynamic stability) has been performed for this missense variant. However, the output from this modeling did not meet the statistical confidence thresholds required to predict the impact of this variant on CTNNA3 protein function. In summary, the available evidence is currently insufficient to determine the role of this variant in disease. Therefore, it has been classified as a Variant of Uncertain Significance.

NM_013266.4(CTNNA3):c.815C>T (p.Thr272Ile)

Gene: CTNNA3 (catenin alpha 3; minus strand). Cytogenetic location: 10q21.3.
Variant type: single nucleotide variant.
Coding change: c.815C>T on transcript NM_013266.4 (MANE Select); coding-DNA position 815, C replaced by T.
Protein change: p.Thr272Ile; replaces threonine 272 with isoleucine.
Molecular consequence: missense variant.
Genome position (GRCh38, 1-based): chr10:67,219,635, G>A on the plus strand (C>T on the coding strand, the complement: CTNNA3 is on the minus strand). VCF-style: chr10-67219635-G-A. GRCh37 (hg19) VCF-style: chr10-68979393-G-A.
Other names: c.815C>T, p.Thr272Ile (NM_001127384.3); c.851C>T, p.Thr284Ile (NM_001291133.2); short protein forms T272I, T284I.
Identifiers: ClinVar variation 4699895 (VCV004699895.1).
Genomic context (GRCh38, chr10:67,219,635, plus strand): 5'-TCAGATCACACTTTATCTTTCTCCCGACTTACCTCCAGCTCATCAAGGGCACTTCCCAGG[G>A]TTGCTGCCTGAGGTTCTGGTGGGGTTGTCATATTCTGGATCCCTTGTGAAGCATTTGAAA-3'
Protein context (NP_037398.2, residues 262-282): MTTPPEPQAA[Thr272Ile]LGSALDELEN